The following is an entry in ClinVar:

ClinVar aggregate classification (germline): Conflicting classifications of pathogenicity. Review status: criteria provided, conflicting classifications (1 of 4 stars). 4 submissions from 4 submitters: Uncertain significance (1); Benign (1); Likely benign (1). 1 of the submissions does not count toward it. Last evaluated 2025-09-09.

Conditions:
KMT2D-related disorder. Also called: KMT2D-Related Disorders.
Choanal atresia-athelia-hypothyroidism-delayed puberty-short stature syndrome (BCAHH). Also called: BRANCHIAL ARCH ABNORMALITIES, CHOANAL ATRESIA, ATHELIA, HEARING LOSS, AND HYPOTHYROIDISM SYNDROME. Identifiers: Orphanet 589856, MedGen C5680310, MONDO:0035651, OMIM 620186.
Kabuki syndrome 1 (KABUK1). Also called: KMT2D-Related Kabuki Syndrome. Identifiers: Orphanet 2322, MedGen CN030661, MONDO:0007843, OMIM 147920.
Kabuki syndrome. Also called: Kabuki make-up syndrome; NIIKAWA-KUROKI SYNDROME. Identifiers: Orphanet 2322, MedGen C0796004, MONDO:0016512.

Allele frequency attached by ClinVar (database versions not stated): gnomAD 0.00001.
gnomAD v4.1: 3 of 1,613,842 alleles (0.00019%); highest among the groups gnomAD compares: Admixed American, 0.005%; no homozygotes.

Submissions (4):

Labcorp Genetics (formerly Invitae), Labcorp
Classification: Benign for Kabuki syndrome. Last evaluated: 2025-09-09. Review status: criteria provided, single submitter. Criteria: Invitae Variant Classification Sherloc (09022015). Collection method: clinical testing. Allele origin: germline.

GeneDx
Classification: Uncertain significance. Last evaluated: 2024-09-10. Review status: criteria provided, single submitter. Criteria: GeneDx Variant Classification Process June 2021. Collection method: clinical testing. Allele origin: germline. Affected: yes.
Comment: In silico analysis indicates that this missense variant does not alter protein structure/function; Has not been previously published as pathogenic or benign to our knowledge

Fulgent Genetics
Classification: Likely benign for Kabuki syndrome 1; Choanal atresia-athelia-hypothyroidism-delayed puberty-short stature syndrome. Last evaluated: 2024-06-19. Review status: criteria provided, single submitter. Criteria: ACMG Guidelines, 2015. Collection method: clinical testing. Allele origin: germline.

PreventionGenetics, part of Exact Sciences
Classification: Uncertain significance for KMT2D-related condition. Last evaluated: 2024-03-06. Review status: no assertion criteria provided. Collection method: clinical testing. Allele origin: germline. Not counted in ClinVar's aggregate classification.
Comment: The KMT2D c.3647C>A variant is predicted to result in the amino acid substitution p.Ala1216Asp. To our knowledge, this variant has not been reported in the literature. This variant is reported in 0.0058% of alleles in individuals of Latino descent in gnomAD. At this time, the clinical significance of this variant is uncertain due to the absence of conclusive functional and genetic evidence.

NM_003482.4(KMT2D):c.3647C>A (p.Ala1216Asp)

Genes: KMT2D (lysine methyltransferase 2D; minus strand), LOC126861520 (CDK7 strongly-dependent group 2 enhancer GRCh37_chr12:49442744-49443943; plus strand). Cytogenetic location: 12q13.12.
Variant type: single nucleotide variant.
Coding change: c.3647C>A on transcript NM_003482.4 (MANE Select); coding-DNA position 3647, C replaced by A.
Protein change: p.Ala1216Asp; replaces alanine 1216 with aspartic acid.
Molecular consequence: missense variant.
Genome position (GRCh38, 1-based): chr12:49,049,941, G>T on the plus strand (C>A on the coding strand, the complement: KMT2D is on the minus strand). VCF-style: chr12-49049941-G-T. GRCh37 (hg19) VCF-style: chr12-49443724-G-T.
Other names: c.3647C>A (NM_003482.3); short protein forms A1216D.
Identifiers: ClinVar variation 1422495 (VCV001422495.10), dbSNP rs930578096, ClinGen allele CA384656103.